The following is an entry in ClinVar:

NM_000492.4(CFTR):c.3468+85T>C

Genes: CFTR (CF transmembrane conductance regulator; plus strand), CFTR-AS2 (CFTR antisense RNA 2; minus strand). Cytogenetic location: 7q31.2.
Variant type: single nucleotide variant.
Coding change: c.3468+85T>C on transcript NM_000492.4 (MANE Select); 85 bases into the intron after coding-DNA position 3468, T replaced by C.
Molecular consequence: intron variant.
Genome position (GRCh38, 1-based): chr7:117,614,798, T>C. VCF-style: chr7-117614798-T-C. GRCh37 (hg19) VCF-style: chr7-117254852-T-C.
Identifiers: ClinVar variation 4291995 (VCV004291995.1).

ClinVar aggregate classification (germline): Uncertain significance (1 of 4 stars; one submission).

Conditions:
Cystic fibrosis (CF). Also called: MUCOVISCIDOSIS. Identifiers: Orphanet 586, MedGen C0010674, MONDO:0009061, OMIM 219700. Disease mechanism: loss of function.

gnomAD v4.1: 17 of 823,710 alleles (0.0021%); highest among the groups gnomAD compares: Middle Eastern, 0.099%; no homozygotes.

Submission:

3billion
Classification: Uncertain significance for Cystic fibrosis. Last evaluated: 2024-11-08. Review status: criteria provided, single submitter. Criteria: ACMG Guidelines, 2015. Collection method: clinical testing. Allele origin: germline. Affected: yes.
Comment: The variant is observed at an extremely low frequency in the gnomAD v4.1.0 dataset (total allele frequency: 0.002%). Predicted Consequence/Location: Intron variant In silico tools do not predict the variant to alter splicing and produce an abnormal transcript [SpliceAI: 0.01 (<=0.1, moderate evidence for non-spliceogenicity)]. The variant is in trans with the other variant. Therefore, this variant is classified as VUS according to the recommendation of ACMG/AMP guideline.